The following is an entry in ClinVar:

NM_001083962.2(TCF4):c.242C>A (p.Thr81Asn)

Genes: TCF4 (transcription factor 4; minus strand), TCF4-AS1 (TCF4 antisense RNA 1; plus strand). Cytogenetic location: 18q21.2.
Variant type: single nucleotide variant.
Coding change: c.242C>A on transcript NM_001083962.2 (MANE Select); coding-DNA position 242, C replaced by A.
Protein change: p.Thr81Asn; replaces threonine 81 with asparagine.
Molecular consequence: missense variant.
Genome position (GRCh38, 1-based): chr18:55,461,081, G>T on the plus strand (C>A on the coding strand, the complement: TCF4 is on the minus strand). VCF-style: chr18-55461081-G-T. GRCh37 (hg19) VCF-style: chr18-53128312-G-T.
Other names: c.242C>A, p.Thr81Asn (NM_001330604.3, NM_001369567.1, NM_001369568.1 and 8 more transcripts); c.116C>A, p.Thr39Asn (NM_001348211.2, NM_001243231.2); c.170C>A, p.Thr57Asn (NM_001348217.1, NM_001348218.2, NM_001348219.2 and 15 more transcripts); c.548C>A, p.Thr183Asn (NM_001243226.3); c.236C>A, p.Thr79Asn (NM_001243230.2); short protein forms T81N, T183N, T57N, T39N, T79N.
Identifiers: ClinVar variation 468957 (VCV000468957.8), dbSNP rs760934731, ClinGen allele CA8970613.

ClinVar aggregate classification (germline): Uncertain significance (1 of 4 stars; one submission).

Conditions:
Pitt-Hopkins syndrome (PTHS). Also called: ENCEPHALOPATHY, SEVERE EPILEPTIC, WITH AUTONOMIC DYSFUNCTION; MENTAL RETARDATION, SYNDROMAL, WITH INTERMITTENT HYPERVENTILATION. Identifiers: Orphanet 2896, MedGen C1970431, MONDO:0012589, OMIM 610954.

Allele frequency attached by ClinVar (database versions not stated): TOPMed below 0.00001.
gnomAD v4.1: 6 of 1,613,312 alleles (0.00037%); highest among the groups gnomAD compares: Non-Finnish European, 0.00034%; no homozygotes.

Submission:

Labcorp Genetics (formerly Invitae), Labcorp
Classification: Uncertain significance for Pitt-Hopkins syndrome. Last evaluated: 2016-06-21. Review status: criteria provided, single submitter. Criteria: Invitae Variant Classification Sherloc (09022015). Collection method: clinical testing. Allele origin: germline.
Comment: In summary, this variant is a rare missense change with uncertain impact on protein function. There is no indication that it causes disease, but the available evidence is currently insufficient to prove that conclusively. Therefore, it has been classified as a Variant of Uncertain Significance. This sequence change replaces threonine with asparagine at codon 81 of the TCF4 protein (p.Thr81Asn). The threonine residue is moderately conserved and there is a small physicochemical difference between threonine and asparagine. This variant is present in population databases (rs760934731, ExAC 0.002%) but has not been reported in the literature in individuals with a TCF4-related disease. Algorithms developed to predict the effect of missense changes on protein structure and function do not agree on the potential impact of this missense change (SIFT: "Deleterious"; PolyPhen-2: "Benign"; Align-GVGD: "Class C0").